The following is an entry in ClinVar:

NC_012920.1(MT-ATP6):m.9086C>T

Gene: MT-ATP6 (mitochondrially encoded ATP synthase 6; plus strand).
Variant type: single nucleotide variant.
Genome position: chrM-9086-C-T.
Identifiers: ClinVar variation 693083 (VCV000693083.1), dbSNP rs1603222049, ClinGen allele CA414802172.

ClinVar aggregate classification (germline): Uncertain significance (1 of 4 stars; one submission).

Conditions:
Leigh syndrome (NULS). Also called: Leigh's necrotizing encephalopathy; Leigh's disease; Leigh Syndrome (mtDNA deletion); Leigh Disease; Subacute necrotizing encephalopathy; Necrotizing encephalopathy infantile subacute of Leigh. Identifiers: Orphanet 506, MedGen C2931891, MONDO:0009723, OMIM 256000.

Submission:

Wong Mito Lab, Molecular and Human Genetics, Baylor College of Medicine
Classification: Uncertain significance for Leigh syndrome. Last evaluated: 2019-10-17. Review status: criteria provided, single submitter. Criteria: Modified ACMG Guidelines (Unpublished). Collection method: clinical testing. Allele origin: germline.
Comment: The NC_012920.1:m.9086C>T (YP_003024031.1:p.Pro187Leu) variant in MTATP6 gene is interpretated to be a Uncertain Significance variant based on the modified ACMG guidelines (unpublished). This variant meets the following evidence codes: PP4